The following is an entry in ClinVar:

ClinVar aggregate classification (germline): Uncertain significance (1 of 4 stars; one submission).

Conditions:
Paget disease of bone 2, early-onset (PDB2). Also called: Paget disease of bone 2. Identifiers: MedGen C4085251, MONDO:0011183, OMIM 602080.
Frontotemporal dementia and/or amyotrophic lateral sclerosis 1 (FTDALS1). Also called: Frontotemporal dementia with motor neuron disease 1; C9orf72 Frontotemporal Dementia and/or Amyotrophic Lateral Sclerosis. Identifiers: Orphanet 275872, MedGen C5779877, MONDO:0007105, OMIM 105550.

Submission:

Labcorp Genetics (formerly Invitae), Labcorp
Classification: Uncertain significance for Paget disease of bone 2, early-onset; Frontotemporal dementia and/or amyotrophic lateral sclerosis 1. Last evaluated: 2019-08-23. Review status: criteria provided, single submitter. Criteria: Invitae Variant Classification Sherloc (09022015). Collection method: clinical testing. Allele origin: germline.
Comment: Algorithms developed to predict the effect of missense changes on protein structure and function do not agree on the potential impact of this missense change (SIFT: "Tolerated"; PolyPhen-2: "Possibly Damaging"; Align-GVGD: "Class C0"). This sequence change replaces valine with isoleucine at codon 255 of the SQSTM1 protein (p.Val255Ile). The valine residue is moderately conserved and there is a small physicochemical difference between valine and isoleucine. This variant is present in population databases (rs182522590, ExAC 0.002%). This variant has not been reported in the literature in individuals with SQSTM1-related disease. In summary, the available evidence is currently insufficient to determine the role of this variant in disease. Therefore, it has been classified as a Variant of Uncertain Significance.

NM_003900.5(SQSTM1):c.763G>A (p.Val255Ile)

Gene: SQSTM1 (sequestosome 1; plus strand). Cytogenetic location: 5q35.3.
Variant type: single nucleotide variant.
Coding change: c.763G>A on transcript NM_003900.5 (MANE Select); coding-DNA position 763, G replaced by A.
Protein change: p.Val255Ile; replaces valine 255 with isoleucine.
Molecular consequence: missense variant.
Genome position (GRCh38, 1-based): chr5:179,833,040, G>A. VCF-style: chr5-179833040-G-A. GRCh37 (hg19) VCF-style: chr5-179260040-G-A.
Other names: c.511G>A, p.Val171Ile (NM_001142298.2, NM_001142299.2); short protein forms V171I, V255I.
Identifiers: ClinVar variation 576548 (VCV000576548.10), dbSNP rs182522590, ClinGen allele CA3600670.